The following is an entry in ClinVar:

ClinVar aggregate classification (germline): Uncertain significance (1 of 4 stars; one submission).

Conditions:
Jeune thoracic dystrophy. Also called: Jeune syndrome; Short-rib thoracic dysplasia; Infantile thoracic dystrophy; Thoracic pelvic phalangeal dystrophy; Jeune's syndrome; Chondroectodermal dysplasia-like syndrome. Identifiers: Orphanet 474, MedGen C0265275, MONDO:0018770.

Allele frequency attached by ClinVar (database versions not stated): TOPMed below 0.00001; gnomAD exomes 0.00001.
gnomAD v4.1: 2 of 1,518,674 alleles (0.00013%); highest among the groups gnomAD compares: African/African-American, 0.0014%; no homozygotes.

Submission:

Labcorp Genetics (formerly Invitae), Labcorp
Classification: Uncertain significance for Jeune thoracic dystrophy. Last evaluated: 2021-08-13. Review status: criteria provided, single submitter. Criteria: Invitae Variant Classification Sherloc (09022015). Collection method: clinical testing. Allele origin: germline.
Comment: This sequence change replaces glutamine with glutamic acid at codon 2898 of the DYNC2H1 protein (p.Gln2898Glu). The glutamine residue is highly conserved and there is a small physicochemical difference between glutamine and glutamic acid. This variant is not present in population databases (ExAC no frequency). This variant has not been reported in the literature in individuals affected with DYNC2H1-related conditions. Algorithms developed to predict the effect of missense changes on protein structure and function are either unavailable or do not agree on the potential impact of this missense change (SIFT: "Deleterious"; PolyPhen-2: "Benign"; Align-GVGD: "Class C0"). In summary, the available evidence is currently insufficient to determine the role of this variant in disease. Therefore, it has been classified as a Variant of Uncertain Significance.

NM_001377.3(DYNC2H1):c.8692C>G (p.Gln2898Glu)

Gene: DYNC2H1 (dynein cytoplasmic 2 heavy chain 1; plus strand). Cytogenetic location: 11q22.3.
Variant type: single nucleotide variant.
Coding change: c.8692C>G on transcript NM_001377.3 (MANE Select); coding-DNA position 8692, C replaced by G.
Protein change: p.Gln2898Glu; replaces glutamine 2898 with glutamic acid.
Molecular consequence: missense variant.
Genome position (GRCh38, 1-based): chr11:103,211,941, C>G. VCF-style: chr11-103211941-C-G. GRCh37 (hg19) VCF-style: chr11-103082670-C-G.
Other names: c.8692C>G, p.Gln2898Glu (NM_001080463.2); short protein forms Q2898E.
Identifiers: ClinVar variation 999291 (VCV000999291.6), dbSNP rs1158593749, ClinGen allele CA382260821.